The following is an entry in ClinVar:

ClinVar aggregate classification (germline): Benign/Likely benign. Review status: criteria provided, multiple submitters, no conflicts (2 of 4 stars). 7 submissions from 7 submitters: Benign (1); Likely benign (6). Last evaluated 2026-01-23.

Conditions:
Hereditary cancer-predisposing syndrome. Also called: Neoplastic Syndromes, Hereditary; Hereditary Cancer Syndrome; Hereditary neoplastic syndrome; Tumor predisposition. Identifiers: Orphanet 140162, MedGen C0027672, MeSH D009386, MONDO:0015356.
Familial thoracic aortic aneurysm and aortic dissection (TAAD). Also called: Thoracic aortic aneurysms and dissections. Identifiers: Orphanet 91387, MedGen C4707243, MONDO:0019625.
Juvenile polyposis syndrome (JPS). Identifiers: Orphanet 2929, MedGen C0345893, MONDO:0017380, OMIM 174900.
Juvenile polyposis/hereditary hemorrhagic telangiectasia syndrome (JPHT). Also called: POLYPOSIS, GENERALIZED JUVENILE, WITH PULMONARY ARTERIOVENOUS MALFORMATION; TELANGIECTASIA, HEREDITARY HEMORRHAGIC, WITH JUVENILE POLYPOSIS COLI; Juvenile Polyposis Syndrome / Hereditary Hemorrhagic Telangiectasia (JPS/HHT); JP/HHT SYNDROME; JUVENILE POLYPOSIS WITH HEREDITARY HEMORRHAGIC TELANGIECTASIA. Identifiers: Orphanet 2929, MedGen C1832942, MONDO:0008278, OMIM 175050.

Allele frequency attached by ClinVar (database versions not stated): gnomAD exomes below 0.00001; gnomAD 0.00001.
gnomAD v4.1: 9 of 1,614,020 alleles (0.00056%); highest among the groups gnomAD compares: African/African-American, 0.0027%; no homozygotes.

Submissions (7):

Women's Health and Genetics/Laboratory Corporation of America, LabCorp
Classification: Likely benign. Last evaluated: 2026-01-23. Review status: criteria provided, single submitter. Criteria: LabCorp Variant Classification Summary - May 2015. Collection method: clinical testing. Allele origin: germline.

Labcorp Genetics (formerly Invitae), Labcorp
Classification: Likely benign for Juvenile polyposis syndrome. Last evaluated: 2025-10-18. Review status: criteria provided, single submitter. Criteria: Invitae Variant Classification Sherloc (09022015). Collection method: clinical testing. Allele origin: germline.

Myriad Genetics, Inc.
Classification: Benign for Juvenile polyposis/hereditary hemorrhagic telangiectasia syndrome. Last evaluated: 2025-03-21. Review status: criteria provided, single submitter. Criteria: Myriad Autosomal Dominant, Autosomal Recessive and X-Linked Classification Criteria (2023). Collection method: clinical testing. Allele origin: unknown.
Comment: This variant is considered benign. This variant is a silent/synonymous amino acid change and it is not expected to impact splicing.

All of Us Research Program, National Institutes of Health
Classification: Likely benign for Juvenile polyposis/hereditary hemorrhagic telangiectasia syndrome. Last evaluated: 2023-11-02. Review status: criteria provided, single submitter. Criteria: ACMG Guidelines, 2015. Collection method: clinical testing. Allele origin: germline. Inheritance: Autosomal dominant inheritance. Observed: 1 variant allele, 1 heterozygote.
Comment: This study involves interpretation of variants in research participants for the purpose of population health screening. Participant phenotype was not available at the time of variant classification. Additional details can be found in publication PMID: 35346344, PMCID: PMC8962531

Ambry Genetics
Classification: Likely benign for Hereditary cancer-predisposing syndrome; Familial thoracic aortic aneurysm and aortic dissection. Last evaluated: 2018-08-01. Review status: criteria provided, single submitter. Criteria: Ambry Variant Classification Scheme 2023. Collection method: clinical testing. Allele origin: germline.

Color Diagnostics, LLC DBA Color Health
Classification: Likely benign for Hereditary cancer-predisposing syndrome. Last evaluated: 2018-07-24. Review status: criteria provided, single submitter. Criteria: ACMG Guidelines, 2015. Collection method: clinical testing. Allele origin: germline.

GeneDx
Classification: Likely benign. Last evaluated: 2017-05-10. Review status: criteria provided, single submitter. Criteria: GeneDx Variant Classification (06012015). Collection method: clinical testing. Allele origin: germline. Affected: yes.
Comment: This variant is considered likely benign or benign based on one or more of the following criteria: it is a conservative change, it occurs at a poorly conserved position in the protein, it is predicted to be benign by multiple in silico algorithms, and/or has population frequency not consistent with disease.

NM_005359.6(SMAD4):c.1098A>G (p.Gln366=)

Gene: SMAD4 (SMAD family member 4; plus strand). Cytogenetic location: 18q21.2.
Variant type: single nucleotide variant.
Coding change: c.1098A>G on transcript NM_005359.6 (MANE Select); coding-DNA position 1098, A replaced by G.
Protein change: p.Gln366=; no amino-acid change (glutamine 366 retained).
Molecular consequence: synonymous variant.
Genome position (GRCh38, 1-based): chr18:51,065,565, A>G. VCF-style: chr18-51065565-A-G. GRCh37 (hg19) VCF-style: chr18-48591935-A-G.
Identifiers: ClinVar variation 460524 (VCV000460524.18), dbSNP rs990054989, ClinGen allele CA300090810.
Genomic context (GRCh38, chr18:51,065,565, plus strand): 5'-TATTGTTACTGTTGATGGATACGTGGACCCTTCTGGAGGAGATCGCTTTTGTTTGGGTCA[A>G]CTCTCCAATGTCCACAGGACAGAAGCCATTGAGAGAGCAAGGTATTGATTGTATAGTCAG-3'
Protein context (NP_005350.1, residues 356-376): PSGGDRFCLG[Gln366=]LSNVHRTEAI